The following is an entry in ClinVar:

ClinVar aggregate classification (germline): Uncertain significance (1 of 4 stars; one submission).

Submission:

Labcorp Genetics (formerly Invitae), Labcorp
Classification: Uncertain significance. Last evaluated: 2023-06-16. Review status: criteria provided, single submitter. Criteria: Invitae Variant Classification Sherloc (09022015). Collection method: clinical testing. Allele origin: germline.
Comment: In summary, the available evidence is currently insufficient to determine the role of this variant in disease. Therefore, it has been classified as a Variant of Uncertain Significance. Advanced modeling of protein sequence and biophysical properties (such as structural, functional, and spatial information, amino acid conservation, physicochemical variation, residue mobility, and thermodynamic stability) performed at Invitae indicates that this missense variant is not expected to disrupt CTNNA1 protein function. This variant has not been reported in the literature in individuals affected with CTNNA1-related conditions. This variant is not present in population databases (gnomAD no frequency). This sequence change replaces glutamine, which is neutral and polar, with lysine, which is basic and polar, at codon 531 of the CTNNA1 protein (p.Gln531Lys).

NM_001903.5(CTNNA1):c.1591C>A (p.Gln531Lys)

Gene: CTNNA1 (catenin alpha 1; plus strand). Cytogenetic location: 5q31.2.
Variant type: single nucleotide variant.
Coding change: c.1591C>A on transcript NM_001903.5 (MANE Select); coding-DNA position 1591, C replaced by A.
Protein change: p.Gln531Lys; replaces glutamine 531 with lysine.
Molecular consequence: missense variant.
Genome position (GRCh38, 1-based): chr5:138,924,554, C>A. VCF-style: chr5-138924554-C-A. GRCh37 (hg19) VCF-style: chr5-138260243-C-A.
Other names: c.1591C>A, p.Gln531Lys (NM_001290307.3, NM_001323982.2, NM_001323983.1 and 2 more transcripts); c.1282C>A, p.Gln428Lys (NM_001290309.3); c.1222C>A, p.Gln408Lys (NM_001290310.3); c.481C>A, p.Gln161Lys (NM_001290312.1, NM_001323987.1, NM_001323988.1 and 17 more transcripts); c.1498C>A, p.Gln500Lys (NM_001323986.2); c.238C>A, p.Gln80Lys (NM_001324012.1, NM_001324013.1); c.142C>A, p.Gln48Lys (NM_001324006.1, NM_001324007.1, NM_001324008.1 and 2 more transcripts); c.388C>A, p.Gln130Lys (NM_001324011.1); short protein forms Q161K, Q48K, Q531K, Q130K, Q500K, Q80K, Q408K, Q428K.
Identifiers: ClinVar variation 2717091 (VCV002717091.3), dbSNP rs2533708205, ClinGen allele CA361131773.